The following is an entry in ClinVar:

ClinVar aggregate classification (germline): Benign/Likely benign. Review status: criteria provided, multiple submitters, no conflicts (2 of 4 stars). 4 submissions from 4 submitters: Benign (1); Likely benign (2). 1 of the submissions does not count toward it. Last evaluated 2026-02-01.

Allele frequency attached by ClinVar (database versions not stated): gnomAD exomes 0.00068; ExAC 0.00070; 1000 Genomes Project 0.00100; TOPMed 0.00102; gnomAD 0.00106 and 0.00116; ESP Exome Variant Server 0.00185.
gnomAD v4.1: 1,953 of 1,601,610 alleles (0.12%); highest among the groups gnomAD compares: Non-Finnish European, 0.15%; 4 homozygotes.

Submissions (4):

CeGaT Center for Human Genetics Tuebingen
Classification: Likely benign. Last evaluated: 2026-02-01. Review status: criteria provided, single submitter. Criteria: CeGaT Center For Human Genetics Tuebingen Variant Classification Criteria Version 2. Collection method: clinical testing. Allele origin: germline. Affected: yes. Observed: 8 variant alleles.
Comment: RERE: BP4, BP7

Labcorp Genetics (formerly Invitae), Labcorp
Classification: Benign. Last evaluated: 2026-01-19. Review status: criteria provided, single submitter. Criteria: Invitae Variant Classification Sherloc (09022015). Collection method: clinical testing. Allele origin: germline.

Blueprint Genetics
Classification: Likely benign. Last evaluated: 2024-09-14. Review status: criteria provided, single submitter. Criteria: ACMG Guidelines, 2015. Collection method: clinical testing. Allele origin: germline.

Genetic Services Laboratory, University of Chicago
Classification: Likely benign. Last evaluated: 2022-08-12. Review status: no assertion criteria provided. Collection method: clinical testing. Allele origin: germline. Affected: no. Not counted in ClinVar's aggregate classification.

NM_001042681.2(RERE):c.3588A>G (p.Arg1196=)

Gene: RERE (arginine-glutamic acid dipeptide repeats; minus strand). Cytogenetic location: 1p36.23.
Variant type: single nucleotide variant.
Coding change: c.3588A>G on transcript NM_001042681.2 (MANE Select); coding-DNA position 3588, A replaced by G.
Protein change: p.Arg1196=; no amino-acid change (arginine 1196 retained).
Molecular consequence: synonymous variant.
Genome position (GRCh38, 1-based): chr1:8,359,794, T>C on the plus strand (A>G on the coding strand, the complement: RERE is on the minus strand). VCF-style: chr1-8359794-T-C. GRCh37 (hg19) VCF-style: chr1-8419854-T-C.
Other names: c.1926A>G, p.Arg642= (NM_001042682.2); c.3588A>G, p.Arg1196= (NM_012102.4).
Identifiers: ClinVar variation 717670 (VCV000717670.40), dbSNP rs149634880, ClinGen allele CA571094.
Genomic context (GRCh38, chr1:8,359,794, plus strand): 5'-CCCGTCACACCTCGCCAACCCTGGACTCACAGCCGCCCGCTCTGCCTCGCGCTCCCGCTC[T>C]CGCTCCCGCTCCCGCTCCTTCTCCTTCTCCTTCTCCCGCTCTCGCTCCTCTCGGGCTTTC-3'
Protein context (NP_001036146.1, residues 1186-1206): KEKEKERERE[Arg1196=]EREREAERAA